The following is an entry in ClinVar:

ClinVar aggregate classification (germline): Likely benign. Review status: criteria provided, multiple submitters, no conflicts (2 of 4 stars). 5 submissions from 5 submitters: Likely benign (5). Last evaluated 2026-08-01.

Conditions:
Familial acute necrotizing encephalopathy (IIAE3). Also called: Susceptibility to Acute Necrotizing Encephalopathy 1; ENCEPHALOPATHY, ACUTE, INFECTION-INDUCED, SUSCEPTIBILITY TO, 3. Identifiers: Orphanet 88619, MedGen C2675556, MONDO:0011953, OMIM 608033.

Allele frequency attached by ClinVar (database versions not stated): TOPMed 0.00057; 1000 Genomes Project 30x 0.00094; 1000 Genomes Project 0.00100.
gnomAD v4.1: 263 of 1,611,876 alleles (0.016%); highest among the groups gnomAD compares: East Asian, 0.25%; no homozygotes.

Submissions (5):

CeGaT Center for Human Genetics Tuebingen
Classification: Likely benign. Last evaluated: 2026-08-01. Review status: criteria provided, single submitter. Criteria: CeGaT Center For Human Genetics Tuebingen Variant Classification Criteria Version 2. Collection method: clinical testing. Allele origin: germline. Affected: yes. Observed: 2 variant alleles.
Comment: RANBP2: BP4, BS1

Blueprint Genetics
Classification: Likely benign. Last evaluated: 2024-11-20. Review status: criteria provided, single submitter. Criteria: ACMG Guidelines, 2015. Collection method: clinical testing. Allele origin: germline.

Labcorp Genetics (formerly Invitae), Labcorp
Classification: Likely benign for Familial acute necrotizing encephalopathy. Last evaluated: 2023-10-03. Review status: criteria provided, single submitter. Criteria: Invitae Variant Classification Sherloc (09022015). Collection method: clinical testing. Allele origin: germline.

Fulgent Genetics
Classification: Likely benign for Familial acute necrotizing encephalopathy. Last evaluated: 2022-01-07. Review status: criteria provided, single submitter. Criteria: ACMG Guidelines, 2015. Collection method: clinical testing. Allele origin: unknown.

Breakthrough Genomics
Classification: Likely benign. Review status: criteria provided, single submitter. Criteria: ACMG Guidelines, 2015. Collection method: not provided. Allele origin: germline. Inheritance: Autosomal dominant inheritance. Affected: yes.

NM_006267.5(RANBP2):c.7474A>G (p.Thr2492Ala)

Gene: RANBP2 (RAN binding protein 2; plus strand). Cytogenetic location: 2q13.
Variant type: single nucleotide variant.
Coding change: c.7474A>G on transcript NM_006267.5 (MANE Select); coding-DNA position 7474, A replaced by G.
Protein change: p.Thr2492Ala; replaces threonine 2492 with alanine.
Molecular consequence: missense variant.
Genome position (GRCh38, 1-based): chr2:108,768,013, A>G. VCF-style: chr2-108768013-A-G. GRCh37 (hg19) VCF-style: chr2-109384469-A-G.
Other names: short protein forms T2492A.
Identifiers: ClinVar variation 537225 (VCV000537225.17), dbSNP rs2693103, ClinGen allele CA1823601.